The following is an entry in ClinVar:

NM_000179.3(MSH6):c.1215T>C (p.Ser405=)

Gene: MSH6 (mutS homolog 6; plus strand). Cytogenetic location: 2p16.3.
Variant type: single nucleotide variant.
Coding change: c.1215T>C on transcript NM_000179.3 (MANE Select); coding-DNA position 1215, T replaced by C.
Protein change: p.Ser405=; no amino-acid change (serine 405 retained).
Molecular consequence: synonymous variant. On other transcripts: non-coding transcript variant (4), intron variant (1).
Genome position (GRCh38, 1-based): chr2:47,799,198, T>C. VCF-style: chr2-47799198-T-C. GRCh37 (hg19) VCF-style: chr2-48026337-T-C.
Other names: c.825T>C, p.Ser275= (NM_001281492.2); c.309T>C, p.Ser103= (NM_001281493.2, NM_001281494.2, NM_001406811.1 and 6 more transcripts); c.1311T>C, p.Ser437= (NM_001406795.1, NM_001406802.1); c.1215T>C, p.Ser405= (NM_001406796.1, NM_001406798.1, NM_001406800.1 and 4 more transcripts); c.918T>C, p.Ser306= (NM_001406797.1, NM_001406801.1, NM_001406805.1 and 10 more transcripts); c.690T>C, p.Ser230= (NM_001406799.1, NM_001406806.1, NM_001406807.1); c.1137T>C, p.Ser379= (NM_001406804.1); c.1221T>C, p.Ser407= (NM_001406813.1); and 2 more.
Identifiers: ClinVar variation 2893953 (VCV002893953.5), dbSNP rs2104328533, ClinGen allele CA426120832.
Genomic context (GRCh38, chr2:47,799,198, plus strand): 5'-GCCTGATCACCCCGATTTTGATGCATCTACACTCTATGTGCCTGAGGATTTCCTCAATTC[T>C]TGTACTCCTGGGATGAGGAAGTGGTGGCAGATTAAGTCTCAGAACTTTGATCTTGTCATC-3'
Protein context (NP_000170.1, residues 395-415): TLYVPEDFLN[Ser405=]CTPGMRKWWQ

ClinVar aggregate classification (germline): Benign/Likely benign. Review status: criteria provided, multiple submitters, no conflicts (2 of 4 stars). 3 submissions from 3 submitters: Benign (1); Likely benign (2). Last evaluated 2025-03-31.

Conditions:
Hereditary nonpolyposis colorectal neoplasms. Identifiers: MedGen C0009405, MeSH D003123.
Hereditary cancer-predisposing syndrome. Also called: Neoplastic Syndromes, Hereditary; Hereditary neoplastic syndrome; Tumor predisposition; Hereditary Cancer Syndrome. Identifiers: Orphanet 140162, MedGen C0027672, MeSH D009386, MONDO:0015356.
Lynch syndrome 5 (LYNCH5). Also called: Colorectal cancer, hereditary nonpolyposis, type 5; Hereditary non-polyposis colorectal cancer, type 5. Identifiers: Orphanet 144, MedGen C1833477, MONDO:0013710, OMIM 614350. Disease mechanism: loss of function.

Submissions (3):

Ambry Genetics
Classification: Likely benign for Hereditary cancer-predisposing syndrome. Last evaluated: 2025-03-31. Review status: criteria provided, single submitter. Criteria: Ambry Variant Classification Scheme 2023. Collection method: clinical testing. Allele origin: germline.

Myriad Genetics, Inc.
Classification: Benign for Lynch syndrome 5. Last evaluated: 2024-12-23. Review status: criteria provided, single submitter. Criteria: Myriad Autosomal Dominant, Autosomal Recessive and X-Linked Classification Criteria (2023). Collection method: clinical testing. Allele origin: unknown.
Comment: This variant is considered benign. This variant is a silent/synonymous amino acid change and it is not expected to impact splicing.

Labcorp Genetics (formerly Invitae), Labcorp
Classification: Likely benign for Hereditary nonpolyposis colorectal neoplasms. Last evaluated: 2024-12-04. Review status: criteria provided, single submitter. Criteria: Invitae Variant Classification Sherloc (09022015). Collection method: clinical testing. Allele origin: germline.